The following is an entry in ClinVar:

ClinVar aggregate classification (germline): Conflicting classifications of pathogenicity. Review status: criteria provided, conflicting classifications (1 of 4 stars). 2 submissions from 2 submitters: Uncertain significance (1); Likely benign (1). Last evaluated 2025-09-01.

Conditions:
Cardiovascular phenotype. Identifiers: MedGen CN230736.
Duchenne muscular dystrophy (DMD). Also called: MUSCULAR DYSTROPHY, PSEUDOHYPERTROPHIC PROGRESSIVE, DUCHENNE TYPE; Duchenne Muscular Dystrophy (DMD). Identifiers: Orphanet 98896, MedGen C0013264, MONDO:0010679, OMIM 310200.

Allele frequency attached by ClinVar (database versions not stated): gnomAD exomes 0.00001; TOPMed 0.00001; gnomAD 0.00002; ExAC 0.00005.
gnomAD v4.1: 8 of 1,209,394 alleles (0.00066%); highest among the groups gnomAD compares: East Asian, 0.021%; no homozygotes.

Submissions (2):

Labcorp Genetics (formerly Invitae), Labcorp
Classification: Likely benign for Duchenne muscular dystrophy. Last evaluated: 2025-09-01. Review status: criteria provided, single submitter. Criteria: Invitae Variant Classification Sherloc (09022015). Collection method: clinical testing. Allele origin: germline.

Ambry Genetics
Classification: Uncertain significance for Cardiovascular phenotype. Last evaluated: 2025-06-25. Review status: criteria provided, single submitter. Criteria: Ambry Variant Classification Scheme 2023. Collection method: clinical testing. Allele origin: germline.
Comment: The p.E323K variant (also known as c.967G>A), located in coding exon 10 of the DMD gene, results from a G to A substitution at nucleotide position 967. The glutamic acid at codon 323 is replaced by lysine, an amino acid with similar properties. Based on data from gnomAD, the A allele has an overall frequency of <0.01% (8/204971) total alleles studied, with 0 hemizygote(s) observed. The highest observed frequency was 0.05% (8/14858) of East Asian alleles. This amino acid position is well conserved in available vertebrate species. In addition, this alteration is predicted to be tolerated by in silico analysis. Based on the available evidence, the clinical significance of this variant remains unclear.

NM_004006.3(DMD):c.967G>A (p.Glu323Lys)

Gene: DMD (dystrophin; minus strand). Cytogenetic location: Xp21.1.
Variant type: single nucleotide variant.
Coding change: c.967G>A on transcript NM_004006.3 (MANE Select); coding-DNA position 967, G replaced by A.
Protein change: p.Glu323Lys; replaces glutamic acid 323 with lysine.
Molecular consequence: missense variant.
Genome position (GRCh38, 1-based): chrX:32,645,146, C>T on the plus strand (G>A on the coding strand, the complement: DMD is on the minus strand). VCF-style: chrX-32645146-C-T. GRCh37 (hg19) VCF-style: chrX-32663263-C-T.
Other names: c.943G>A, p.Glu315Lys (NM_000109.4); c.955G>A, p.Glu319Lys (NM_004009.3); c.598G>A, p.Glu200Lys (NM_004010.3); short protein forms E315K, E319K, E200K, E323K.
Identifiers: ClinVar variation 2181725 (VCV002181725.5), dbSNP rs746060886, ClinGen allele CA10379992.